The following is an entry in ClinVar:

ClinVar aggregate classification (germline): Conflicting classifications of pathogenicity. Review status: criteria provided, conflicting classifications (1 of 4 stars). 4 submissions from 4 submitters: Likely pathogenic (1); Uncertain significance (1); Benign (1). 1 of the submissions does not count toward it. Last evaluated 2025-07-21.

Conditions:
CD36-related disorder. Also called: CD36-related condition; CD36-related disorders.

Submissions (4):

Dasa
Classification: Uncertain significance. Last evaluated: 2025-07-21. Review status: criteria provided, single submitter. Criteria: DASA Assertion Criteria. Collection method: clinical testing. Allele origin: germline.
Comment: NM_001001548.3(CD36):c.158del (p.Asn53Ilefs*24) is a frameshift variant in CD36 predicted to alter the reading frame and introduce a premature termination codon and is predicted to result in an absent or altered protein product. This classification is supported by population frequency inconsistent with a disease-causing role. The currently available literature and clinical evidence are not sufficient to establish a definitive association between this variant and the reported condition. Therefore, this variant is classified as a variant of uncertain significance.

Blueprint Genetics
Classification: Likely pathogenic for CD36-related disorders. Last evaluated: 2024-11-14. Review status: criteria provided, single submitter. Criteria: ACMG Guidelines, 2015. Collection method: clinical testing. Allele origin: germline. Affected: yes. Observed: 5 variant alleles.

Labcorp Genetics (formerly Invitae), Labcorp
Classification: Benign. Last evaluated: 2018-08-21. Review status: criteria provided, single submitter. Criteria: Invitae Variant Classification Sherloc (09022015). Collection method: clinical testing. Allele origin: germline.

PreventionGenetics, part of Exact Sciences
Classification: Likely pathogenic for CD36-related condition. Last evaluated: 2024-07-23. Review status: no assertion criteria provided. Collection method: clinical testing. Allele origin: germline. Not counted in ClinVar's aggregate classification.
Comment: The CD36 c.158delA variant is predicted to result in a frameshift and premature protein termination (p.Asn53Ilefs*24). This variant has been reported in the homozygous state in a patient with CD36 type I deficiency (Le Toriellec. 2020. PubMed ID: 32949421, referred to as c.367_368delAAinsG). Additionally, flanking chain-terminating variants affecting this exon have been associated with disease (Xu et al. 2013. PubMed ID: 23966019). This variant is reported in 1.6% of alleles in individuals of African descent in gnomAD. Frameshift variants in CD36 are expected to be pathogenic. This variant is interpreted as likely pathogenic.

NM_001001548.3(CD36):c.158del (p.Asn53fs)

Gene: CD36 (CD36 molecule (CD36 blood group); plus strand). Cytogenetic location: 7q21.11.
Variant type: Deletion.
Coding change: c.158del on transcript NM_001001548.3 (MANE Select); coding-DNA position 158, one base deleted (A; older notation c.158delA).
Protein change: p.Asn53fs; shifts the reading frame from asparagine 53.
Molecular consequence: frameshift variant. On other transcripts: 5 prime UTR variant (2), non-coding transcript variant (1), intron variant (2).
Genome position (GRCh38, 1-based): chr7:80,656,577, A deleted; the last of 5 consecutive A bases (chr7:80,656,573-80,656,577); deleting any one gives the same sequence. VCF-style (leftmost placement, unchanged base first): chr7-80656572-TA-T. GRCh37 (hg19) VCF-style: chr7-80285888-TA-T.
Other names: c.158del, p.Asn53fs (NM_000072.3, NM_001001547.3, NM_001127443.2 and 7 more transcripts); c.-71del (NM_001289911.2); c.-325del (NM_001371081.1); c.-184-4486del (NM_001371080.1); c.121-65del (NM_001371079.1); short protein forms N53fs.
Identifiers: ClinVar variation 711987 (VCV000711987.8), dbSNP rs571975065, ClinGen allele CA4315031.